The following is an entry in ClinVar:

ClinVar aggregate classification (germline): Benign. Review status: criteria provided, multiple submitters, no conflicts (2 of 4 stars). 4 submissions from 4 submitters: Benign (4). Last evaluated 2026-02-02.

Conditions:
T-B+ severe combined immunodeficiency due to JAK3 deficiency. Also called: SCID, autosomal recessive, T-negative/B-positive type; SCID, T CELL-NEGATIVE, B CELL-POSITIVE, NK CELL-NEGATIVE. Identifiers: Orphanet 35078, MedGen C1833275, MONDO:0010938, OMIM 600802.

Allele frequency attached by ClinVar (database versions not stated): gnomAD exomes 0.00047 and 0.00137; ExAC 0.00144; gnomAD 0.00478 and 0.00498; TOPMed 0.00479; ESP Exome Variant Server 0.00585; 1000 Genomes Project 0.00659; 1000 Genomes Project 30x 0.00750.
gnomAD v4.1: 1,440 of 1,601,262 alleles (0.09%); highest among the groups gnomAD compares: African/African-American, 1.5%; 10 homozygotes.

Submissions (4):

Labcorp Genetics (formerly Invitae), Labcorp
Classification: Benign for T-B+ severe combined immunodeficiency due to JAK3 deficiency. Last evaluated: 2026-02-02. Review status: criteria provided, single submitter. Criteria: Invitae Variant Classification Sherloc (09022015). Collection method: clinical testing. Allele origin: germline.

GeneDx
Classification: Benign. Last evaluated: 2020-04-29. Review status: criteria provided, single submitter. Criteria: GeneDx Variant Classification Process June 2021. Collection method: clinical testing. Allele origin: germline. Affected: yes.

Illumina Laboratory Services, Illumina
Classification: Benign for T-B+ severe combined immunodeficiency due to JAK3 deficiency. Last evaluated: 2017-04-27. Review status: criteria provided, single submitter. Criteria: ICSL Variant Classification Criteria 13 December 2019. Collection method: clinical testing. Allele origin: germline.
Comment: This variant was observed as part of a predisposition screen in an ostensibly healthy population. A literature search was performed for the gene, cDNA change, and amino acid change (where applicable). No publications were found based on this search. Allele frequency data from public databases was too high to be consistent with this variant causing disease. Therefore, this variant is classified as benign.

Breakthrough Genomics
Classification: Benign. Review status: criteria provided, single submitter. Criteria: ACMG Guidelines, 2015. Collection method: not provided. Allele origin: germline. Inheritance: Autosomal recessive inheritance. Affected: yes.

NM_000215.4(JAK3):c.2806-13C>T

Gene: JAK3 (Janus kinase 3; minus strand). Cytogenetic location: 19p13.11.
Variant type: single nucleotide variant.
Coding change: c.2806-13C>T on transcript NM_000215.4 (MANE Select); 13 bases into the intron before coding-DNA position 2806, C replaced by T.
Molecular consequence: intron variant.
Genome position (GRCh38, 1-based): chr19:17,831,413, G>A on the plus strand (C>T on the coding strand, the complement: JAK3 is on the minus strand). VCF-style: chr19-17831413-G-A. GRCh37 (hg19) VCF-style: chr19-17942222-G-A.
Identifiers: ClinVar variation 377982 (VCV000377982.17), dbSNP rs193156379, ClinGen allele CA9301492.